The following is an entry in ClinVar:

ClinVar aggregate classification (germline): Likely benign (1 of 4 stars; one submission).

Conditions:
Short stature due to primary acid-labile subunit deficiency. Also called: Acid-labile subunit deficiency; Acid-labile subunit, deficiency of. Identifiers: Orphanet 140941, MedGen C3900122, MONDO:0014420, OMIM 615961.

Allele frequency attached by ClinVar (database versions not stated): TOPMed 0.00051; gnomAD 0.00057 and 0.00059; gnomAD exomes 0.00070 and 0.00109; ExAC 0.00418.

Submission:

Illumina Laboratory Services, Illumina
Classification: Likely benign for Short stature due to primary acid-labile subunit deficiency. Last evaluated: 2018-01-13. Review status: criteria provided, single submitter. Criteria: ICSL Variant Classification Criteria 13 December 2019. Collection method: clinical testing. Allele origin: germline.
Comment: This variant was observed in the ICSL laboratory as part of a predisposition screen in an ostensibly healthy population. It had not been previously curated by ICSL or reported in the Human Gene Mutation Database (HGMD: prior to June 1st, 2018), and was therefore a candidate for classification through an automated scoring system. Utilizing variant allele frequency, disease prevalence and penetrance estimates, and inheritance mode, an automated score was calculated to assess if this variant is too frequent to cause the disease. Based on the score and internal cut-off values, a variant classified as likely benign is not then subjected to further curation. The score for this variant resulted in a classification of likely benign for this disease.

NM_004970.3(IGFALS):c.*155T>G

Gene: IGFALS (insulin like growth factor binding protein acid labile subunit; minus strand). Cytogenetic location: 16p13.3.
Variant type: single nucleotide variant.
Coding change: c.*155T>G on transcript NM_004970.3 (MANE Select); 155 bases downstream of the stop codon, T replaced by G.
Molecular consequence: 3 prime UTR variant. On other transcripts: non-coding transcript variant (1).
Genome position (GRCh38, 1-based): chr16:1,790,445, A>C on the plus strand (T>G on the coding strand, the complement: IGFALS is on the minus strand). VCF-style: chr16-1790445-A-C. GRCh37 (hg19) VCF-style: chr16-1840446-A-C.
Other names: c.*155T>G (NM_001146006.2).
Identifiers: ClinVar variation 318228 (VCV000318228.5), dbSNP rs781667184, ClinGen allele CA7820178.